The following is an entry in ClinVar:

NM_001040142.2(SCN2A):c.4581T>G (p.Phe1527Leu)

Gene: SCN2A (sodium voltage-gated channel alpha subunit 2; plus strand). Cytogenetic location: 2q24.3.
Variant type: single nucleotide variant.
Coding change: c.4581T>G on transcript NM_001040142.2 (MANE Select); coding-DNA position 4581, T replaced by G.
Protein change: p.Phe1527Leu; replaces phenylalanine 1527 with leucine.
Molecular consequence: missense variant.
Genome position (GRCh38, 1-based): chr2:165,386,775, T>G. VCF-style: chr2-165386775-T-G. GRCh37 (hg19) VCF-style: chr2-166243285-T-G.
Other names: c.4581T>G, p.Phe1527Leu (NM_001040143.2, NM_001371246.1, NM_001371247.1 and 1 more transcripts); short protein forms F1527L.
Identifiers: ClinVar variation 1703456 (VCV001703456.3), dbSNP rs2468149386, ClinGen allele CA349036213.
Genomic context (GRCh38, chr2:165,386,775, plus strand): 5'-TAATGGAACTTTTACATATTATTTGTTCCAGAACAAATTCCAAGGAATGGTCTTTGATTT[T>G]GTAACCAAACAAGTCTTTGATATCAGCATCATGATCCTCATCTGCCTTAACATGGTCACC-3'
Protein context (NP_001035232.1, residues 1517-1537): ANKFQGMVFD[Phe1527Leu]VTKQVFDISI

ClinVar aggregate classification (germline): Uncertain significance (1 of 4 stars; one submission).

Submission:

GeneDx
Classification: Uncertain significance. Last evaluated: 2024-05-03. Review status: criteria provided, single submitter. Criteria: GeneDx Variant Classification Process June 2021. Collection method: clinical testing. Allele origin: germline.
Comment: Not observed at significant frequency in large population cohorts (gnomAD); In silico analysis supports that this missense variant has a deleterious effect on protein structure/function; Has not been previously published as pathogenic or benign to our knowledge; This substitution is predicted to be in the cytoplasmic loop between the third and fourth homologous domains